The following is an entry in ClinVar:

NM_001042492.3(NF1):c.205-2A>G

Gene: NF1 (neurofibromin 1; plus strand). Cytogenetic location: 17q11.2.
Variant type: single nucleotide variant.
Coding change: c.205-2A>G on transcript NM_001042492.3 (MANE Select); the canonical splice acceptor site of the intron before coding-DNA position 205, A replaced by G.
Molecular consequence: splice acceptor variant.
Genome position (GRCh38, 1-based): chr17:31,159,008, A>G. VCF-style: chr17-31159008-A-G. GRCh37 (hg19) VCF-style: chr17-29486026-A-G.
Other names: c.205-2A>G (NM_000267.4, NM_001128147.3).
Identifiers: ClinVar variation 652752 (VCV000652752.13), dbSNP rs1597629679, ClinGen allele CA398989471.
Genomic context (GRCh38, chr17:31,159,008, plus strand): 5'-GTGTGTTGATTGGTAGCAGAAAGTGAAACTAACTTTTATGTTCTGAATATCTTTTCTGTT[A>G]GAGAATATTTGGAGAAGCTGCTGAAAAAAATTTATATCTCTCTCAGTTGATTATATTGGA-3'

ClinVar aggregate classification (germline): Pathogenic. Review status: criteria provided, multiple submitters, no conflicts (2 of 4 stars). 3 submissions from 3 submitters: Pathogenic (3). Last evaluated 2025-08-29.

Conditions:
Neurofibromatosis, type 1 (NF1). Also called: VON RECKLINGHAUSEN DISEASE; Neurofibromatosis, type I; NEUROFIBROMATOSIS, TYPE I, SOMATIC; Peripheral type neurofibromatosis. Identifiers: Orphanet 636, MedGen C0027831, MONDO:0018975, OMIM 162200. Disease mechanism: loss of function.

Submissions (3):

GeneDx
Classification: Pathogenic. Last evaluated: 2025-08-29. Review status: criteria provided, single submitter. Criteria: GeneDx Variant Classification Process June 2021. Collection method: clinical testing. Allele origin: germline. Affected: yes.
Comment: Canonical splice site variant predicted to result in an in-frame loss of the adjacent exon in a gene for which loss of function is a known mechanism of disease; Deletions involving coding exons of this gene are a known mechanism of disease (HGMD); Not observed at significant frequency in large population cohorts (gnomAD); This variant is associated with the following publications: (PMID: 24077912, 22155606, 23222849, 23913538, 31970404, 33877690)

Labcorp Genetics (formerly Invitae), Labcorp
Classification: Pathogenic for Neurofibromatosis, type 1. Last evaluated: 2024-12-20. Review status: criteria provided, single submitter. Criteria: Invitae Variant Classification Sherloc (09022015). Collection method: clinical testing. Allele origin: germline.
Comment: This sequence change affects an acceptor splice site in intron 2 of the NF1 gene. It is expected to disrupt RNA splicing. Variants that disrupt the donor or acceptor splice site typically lead to a loss of protein function (PMID: 16199547), and loss-of-function variants in NF1 are known to be pathogenic (PMID: 10712197, 23913538). This variant is not present in population databases (gnomAD no frequency). Disruption of this splice site has been observed in individuals with juvenile myelomonocytic leukemia (JMML) and/or neurofibromatosis type 1 (NF1) (PMID: 22155606, 23222849; internal data). ClinVar contains an entry for this variant (Variation ID: 652752). Algorithms developed to predict the effect of sequence changes on RNA splicing suggest that this variant may disrupt the consensus splice site. For these reasons, this variant has been classified as Pathogenic.

Genome-Nilou Lab
Classification: Pathogenic for Neurofibromatosis, type 1. Last evaluated: 2022-03-15. Review status: criteria provided, single submitter. Criteria: ACMG Guidelines, 2015. Collection method: clinical testing. Allele origin: germline. Affected: no.

Literature cited by the submitters: PubMed 16199547 (cited by Labcorp Genetics (formerly Invitae), Labcorp); PubMed 10712197 (cited by Labcorp Genetics (formerly Invitae), Labcorp); PubMed 23913538 (cited by Labcorp Genetics (formerly Invitae), Labcorp); PubMed 22155606 (cited by Labcorp Genetics (formerly Invitae), Labcorp); PubMed 23222849 (cited by Labcorp Genetics (formerly Invitae), Labcorp).